The following is an entry in ClinVar:

ClinVar aggregate classification (germline): Uncertain significance (1 of 4 stars; one submission).

Submission:

Labcorp Genetics (formerly Invitae), Labcorp
Classification: Uncertain significance. Last evaluated: 2025-07-27. Review status: criteria provided, single submitter. Criteria: Invitae Variant Classification Sherloc (09022015). Collection method: clinical testing. Allele origin: germline.
Comment: This sequence change creates a premature translational stop signal (p.Gln778*) in the TOP2B gene. It is expected to result in an absent or disrupted protein product. However, the current clinical and genetic evidence is not sufficient to establish whether loss-of-function variants in TOP2B cause disease. This variant is not present in population databases (gnomAD no frequency). This variant has not been reported in the literature in individuals affected with TOP2B-related conditions. Experimental studies and prediction algorithms are not available or were not evaluated, and the functional significance of this variant is currently unknown. In summary, the available evidence is currently insufficient to determine the role of this variant in disease. Therefore, it has been classified as a Variant of Uncertain Significance.

NM_001330700.2(TOP2B):c.2347C>T (p.Gln783Ter)

Gene: TOP2B (DNA topoisomerase II beta; minus strand). Cytogenetic location: 3p24.2.
Variant type: single nucleotide variant.
Coding change: c.2347C>T on transcript NM_001330700.2 (MANE Select); coding-DNA position 2347, C replaced by T.
Protein change: p.Gln783Ter; replaces glutamine 783 with a stop codon.
Molecular consequence: nonsense.
Genome position (GRCh38, 1-based): chr3:25,624,445, G>A on the plus strand (C>T on the coding strand, the complement: TOP2B is on the minus strand). VCF-style: chr3-25624445-G-A. GRCh37 (hg19) VCF-style: chr3-25665936-G-A.
Other names: c.2332C>T, p.Gln778Ter (NM_001068.3); short protein forms Q778*, Q783*.
Identifiers: ClinVar variation 4723766 (VCV004723766.1).
Genomic context (GRCh38, chr3:25,624,445, plus strand): 5'-TAATGTTGTTACTTCCCACAAAGTTCTGAGCCAAATTCACAATAGTCATCATCAATGCTT[G>A]CTATACAACAGAAGAAGGCAGAACATAACATTAATATTCTAAATTTTCTATAATTACTCC-3'